The following is an entry in ClinVar:

NM_015559.3(SETBP1):c.2234C>A (p.Ala745Asp)

Gene: SETBP1 (SET binding protein 1; plus strand). Cytogenetic location: 18q12.3.
Variant type: single nucleotide variant.
Coding change: c.2234C>A on transcript NM_015559.3 (MANE Select); coding-DNA position 2234, C replaced by A.
Protein change: p.Ala745Asp; replaces alanine 745 with aspartic acid.
Molecular consequence: missense variant.
Genome position (GRCh38, 1-based): chr18:44,951,574, C>A. VCF-style: chr18-44951574-C-A. GRCh37 (hg19) VCF-style: chr18-42531539-C-A.
Other names: c.2234C>A (NM_015559.2); c.2234C>A, p.Ala745Asp (NM_001379141.1, NM_001379142.1, NM_001410862.1); short protein forms A745D.
Identifiers: ClinVar variation 2809779 (VCV002809779.4), dbSNP rs2511470973, ClinGen allele CA402320688.

ClinVar aggregate classification (germline): Uncertain significance. Review status: criteria provided, multiple submitters, no conflicts (2 of 4 stars). 2 submissions from 2 submitters: Uncertain significance (2). Last evaluated 2025-03-26.

Conditions:
Inborn genetic diseases. Identifiers: MedGen C0950123, MeSH D030342.

Allele frequency attached by ClinVar (database versions not stated): gnomAD exomes below 0.00001.
gnomAD v4.1: 2 of 1,614,164 alleles (0.00012%); highest among the groups gnomAD compares: East Asian, 0.0045%; no homozygotes.

Submissions (2):

Ambry Genetics
Classification: Uncertain significance for Inborn genetic diseases. Last evaluated: 2025-03-26. Review status: criteria provided, single submitter. Criteria: Ambry Variant Classification Scheme 2023. Collection method: clinical testing. Allele origin: germline.

Labcorp Genetics (formerly Invitae), Labcorp
Classification: Uncertain significance. Last evaluated: 2023-10-03. Review status: criteria provided, single submitter. Criteria: Invitae Variant Classification Sherloc (09022015). Collection method: clinical testing. Allele origin: germline.
Comment: This sequence change replaces alanine, which is neutral and non-polar, with aspartic acid, which is acidic and polar, at codon 745 of the SETBP1 protein (p.Ala745Asp). This variant is not present in population databases (gnomAD no frequency). This variant has not been reported in the literature in individuals affected with SETBP1-related conditions. Advanced modeling of protein sequence and biophysical properties (such as structural, functional, and spatial information, amino acid conservation, physicochemical variation, residue mobility, and thermodynamic stability) performed at Invitae indicates that this missense variant is not expected to disrupt SETBP1 protein function. In summary, the available evidence is currently insufficient to determine the role of this variant in disease. Therefore, it has been classified as a Variant of Uncertain Significance.